The following is an entry in ClinVar:

NM_000525.4(KCNJ11):c.*701A>T

Gene: KCNJ11 (potassium inwardly rectifying channel subfamily J member 11; minus strand). Cytogenetic location: 11p15.1.
Variant type: single nucleotide variant.
Coding change: c.*701A>T on transcript NM_000525.4 (MANE Select); 701 bases downstream of the stop codon, A replaced by T.
Molecular consequence: 3 prime UTR variant.
Genome position (GRCh38, 1-based): chr11:17,386,218, T>A on the plus strand (A>T on the coding strand, the complement: KCNJ11 is on the minus strand). VCF-style: chr11-17386218-T-A. GRCh37 (hg19) VCF-style: chr11-17407765-T-A.
Other names: c.*701A>T (NM_001166290.2, NM_001377296.1, NM_001377297.1).
Identifiers: ClinVar variation 303715 (VCV000303715.6), dbSNP rs5207, ClinGen allele CA10637943.

ClinVar aggregate classification (germline): Uncertain significance. Review status: criteria provided, multiple submitters, no conflicts (2 of 4 stars). 4 submissions from 2 submitters: Uncertain significance (4). Last evaluated 2018-01-12.

Conditions:
Maturity-onset diabetes of the young type 13. Also called: MODY, TYPE 13. Identifiers: Orphanet 552, MedGen C4225365, MONDO:0014589, OMIM 616329.
Maturity-onset diabetes of the young (MODY). Also called: Maturity onset diabetes mellitus in young. Identifiers: Orphanet 552, MedGen C0342276, MONDO:0018911, HP:0004904.
Diabetes mellitus, transient neonatal, 3 (TNDM3). Identifiers: Orphanet 99886, MedGen C1864623, MONDO:0012522, OMIM 610582. Disease mechanism: loss of function.
Hyperinsulinemic hypoglycemia, familial, 2. Also called: HYPERINSULINEMIC HYPOGLYCEMIA, PERSISTENT; HYPERINSULINISM, NEONATAL. Identifiers: Orphanet 276580, Orphanet 276603, MedGen C2931833, MONDO:0011153, OMIM 601820. Disease mechanism: loss of function.

Allele frequency attached by ClinVar (database versions not stated): gnomAD 0.00001.

Submissions (4):

Illumina Laboratory Services, Illumina
Classification: Uncertain significance for Maturity-onset diabetes of the young type 13. Last evaluated: 2018-01-12. Review status: criteria provided, single submitter. Criteria: ICSL Variant Classification Criteria 13 December 2019. Collection method: clinical testing. Allele origin: germline.

Illumina Laboratory Services, Illumina
Classification: Uncertain significance for Diabetes mellitus, transient neonatal, 3. Last evaluated: 2018-01-12. Review status: criteria provided, single submitter. Criteria: ICSL Variant Classification Criteria 13 December 2019. Collection method: clinical testing. Allele origin: germline.

Illumina Laboratory Services, Illumina
Classification: Uncertain significance for Hyperinsulinemic hypoglycemia, familial, 2. Last evaluated: 2018-01-12. Review status: criteria provided, single submitter. Criteria: ICSL Variant Classification Criteria 13 December 2019. Collection method: clinical testing. Allele origin: germline.

Clinical Genomics, Uppaluri K&H Personalized Medicine Clinic
Classification: Uncertain significance for Maturity-onset diabetes of the young. Review status: criteria provided, single submitter. Criteria: K & H Uppaluri Personalized Medicine Clinic Variant Classification & Assertion Criteria_Updated V.1. Collection method: research. Allele origin: somatic. Inheritance: Autosomal dominant inheritance.
Comment: Mutations in KCNJ11 gene can cause decreased production and secretion of insulin. This can lead to MODY which may be responsive to oral sulfonylureas. It is also associated with Neonatal Diabetes. However, no sufficient evidence is found to ascertain the role of this particular variant (rs5207) in MODY yet.

Literature cited by the submitters: PubMed 26448950 (cited by Clinical Genomics, Uppaluri K&H Personalized Medicine Clinic); PubMed 15580558 (cited by Clinical Genomics, Uppaluri K&H Personalized Medicine Clinic); PubMed 15718250 (cited by Clinical Genomics, Uppaluri K&H Personalized Medicine Clinic); PubMed 32935446 (cited by Clinical Genomics, Uppaluri K&H Personalized Medicine Clinic); PubMed 22701567 (cited by Clinical Genomics, Uppaluri K&H Personalized Medicine Clinic).